The following is an entry in ClinVar:

ClinVar aggregate classification (germline): Uncertain significance (1 of 4 stars; one submission).

Conditions:
Nemaline myopathy 8 (NEM8). Also called: Nemaline myopathy 8, autosomal recessive. Identifiers: Orphanet 171430, MedGen C3809209, MONDO:0014138, OMIM 615348.

Allele frequency attached by ClinVar (database versions not stated): ExAC 0.00001; gnomAD exomes 0.00001 and 0.00003; TOPMed 0.00001; gnomAD 0.00002.

Submission:

Labcorp Genetics (formerly Invitae), Labcorp
Classification: Uncertain significance for Nemaline myopathy 8. Last evaluated: 2023-10-03. Review status: criteria provided, single submitter. Criteria: Invitae Variant Classification Sherloc (09022015). Collection method: clinical testing. Allele origin: germline.
Comment: This sequence change replaces leucine, which is neutral and non-polar, with proline, which is neutral and non-polar, at codon 172 of the KLHL40 protein (p.Leu172Pro). This variant is present in population databases (rs749614458, gnomAD 0.004%). This missense change has been observed in individual(s) with clinical features of neuromuscular disorders (PMID: 32403337). ClinVar contains an entry for this variant (Variation ID: 1016077). Advanced modeling of protein sequence and biophysical properties (such as structural, functional, and spatial information, amino acid conservation, physicochemical variation, residue mobility, and thermodynamic stability) has been performed at Invitae for this missense variant, however the output from this modeling did not meet the statistical confidence thresholds required to predict the impact of this variant on KLHL40 protein function. In summary, the available evidence is currently insufficient to determine the role of this variant in disease. Therefore, it has been classified as a Variant of Uncertain Significance.

Literature cited by the submitters: PubMed 32403337.

NM_152393.4(KLHL40):c.515T>C (p.Leu172Pro)

Gene: KLHL40 (kelch like family member 40; plus strand). Cytogenetic location: 3p22.1.
Variant type: single nucleotide variant.
Coding change: c.515T>C on transcript NM_152393.4 (MANE Select); coding-DNA position 515, T replaced by C.
Protein change: p.Leu172Pro; replaces leucine 172 with proline.
Molecular consequence: missense variant.
Genome position (GRCh38, 1-based): chr3:42,686,133, T>C. VCF-style: chr3-42686133-T-C. GRCh37 (hg19) VCF-style: chr3-42727625-T-C.
Other names: short protein forms L172P.
Identifiers: ClinVar variation 1016077 (VCV001016077.3), dbSNP rs749614458, ClinGen allele CA2336672.